The following is an entry in ClinVar:

ClinVar aggregate classification (germline): Pathogenic (1 of 4 stars; one submission).

Conditions:
Congenital disorder of glycosylation, type IIq. Also called: CDG IIq. Identifiers: Orphanet 435934, MedGen C4479353, MONDO:0054559, OMIM 617395.

Submission:

Labcorp Genetics (formerly Invitae), Labcorp
Classification: Pathogenic for Congenital disorder of glycosylation, type IIq. Last evaluated: 2022-05-09. Review status: criteria provided, single submitter. Criteria: Invitae Variant Classification Sherloc (09022015). Collection method: clinical testing. Allele origin: germline.
Comment: For these reasons, this variant has been classified as Pathogenic. This variant has not been reported in the literature in individuals affected with COG2-related conditions. This variant is not present in population databases (gnomAD no frequency). This sequence change creates a premature translational stop signal (p.Gln87Argfs*14) in the COG2 gene. It is expected to result in an absent or disrupted protein product. Loss-of-function variants in COG2 are known to be pathogenic (PMID: 24784932).

Literature cited by the submitters: PubMed 24784932.

NM_007357.3(COG2):c.260del (p.Gln87fs)

Gene: COG2 (component of oligomeric golgi complex 2; plus strand). Cytogenetic location: 1q42.2.
Variant type: Deletion.
Coding change: c.260del on transcript NM_007357.3 (MANE Select); coding-DNA position 260, one base deleted (A; older notation c.260delA).
Protein change: p.Gln87fs; shifts the reading frame from glutamine 87.
Molecular consequence: frameshift variant.
Genome position (GRCh38, 1-based): chr1:230,660,783, A deleted. VCF-style (leftmost placement, unchanged base first): chr1-230660782-CA-C. GRCh37 (hg19) VCF-style: chr1-230796528-CA-C.
Other names: c.260del, p.Gln87fs (NM_001145036.2); short protein forms Q87fs.
Identifiers: ClinVar variation 1970272 (VCV001970272.5), dbSNP rs2527612631, ClinGen allele CA2580062281.